The following is an entry in ClinVar:

NM_007294.4(BRCA1):c.49_50insT (p.Ala17fs)

Gene: BRCA1 (BRCA1 DNA repair associated; minus strand). Cytogenetic location: 17q21.31.
Variant type: Insertion.
Coding change: c.49_50insT on transcript NM_007294.4 (MANE Select); coding-DNA positions 49 to 50, T inserted.
Protein change: p.Ala17fs; shifts the reading frame from alanine 17.
Molecular consequence: frameshift variant. On other transcripts: 5 prime UTR variant (136), intron variant (36).
Genome position: GRCh38 VCF-style: chr17-43124047-G-GA. GRCh37 (hg19) VCF-style: chr17-41276064-G-GA.
Other names: c.-140_-139insT (NM_001407571.1, NM_001408478.1, NM_001408479.1 and 46 more transcripts); c.49_50insT, p.Ala17fs (NM_001407581.1, NM_001407582.1, NM_001407583.1 and 192 more transcripts); c.-212_-211insT (NM_001408452.1, NM_001408462.1, NM_001408463.1 and 22 more transcripts); c.-39_-38insT (NM_001408454.1, NM_001408459.1, NM_001408460.1 and 23 more transcripts); c.-209_-208insT (NM_001408455.1, NM_001408456.1, NM_001408468.1 and 11 more transcripts); c.-213_-212insT (NM_001408465.1, NM_001407695.1); c.-285_-284insT (NM_001408482.1); c.-256_-255insT (NM_001408492.1, NM_001407889.1); and 24 more; short protein forms A17fs.
Identifiers: ClinVar variation 3226169 (VCV003226169.1), dbSNP rs2552278937, ClinGen allele CA2825002529.

ClinVar aggregate classification (germline): Pathogenic (1 of 4 stars; one submission).

Conditions:
Hereditary cancer-predisposing syndrome. Also called: Neoplastic Syndromes, Hereditary; Tumor predisposition; Hereditary neoplastic syndrome; Hereditary Cancer Syndrome. Identifiers: Orphanet 140162, MedGen C0027672, MeSH D009386, MONDO:0015356.

Submission:

Ambry Genetics
Classification: Pathogenic for Hereditary cancer-predisposing syndrome. Last evaluated: 2024-01-22. Review status: criteria provided, single submitter. Criteria: Ambry Variant Classification Scheme 2023. Collection method: clinical testing. Allele origin: germline.
Comment: The c.49_50insT pathogenic mutation, located in coding exon 1 of the BRCA1 gene, results from an insertion of one nucleotide at position 49, causing a translational frameshift with a predicted alternate stop codon (p.A17Vfs*24). This alteration is expected to result in loss of function by premature protein truncation or nonsense-mediated mRNA decay. As such, this alteration is interpreted as a disease-causing mutation.